The following is an entry in ClinVar:

NM_001378454.1(ALMS1):c.3307C>G (p.Pro1103Ala)

Gene: ALMS1 (ALMS1 centrosome and basal body associated protein; plus strand). Cytogenetic location: 2p13.1.
Variant type: single nucleotide variant.
Coding change: c.3307C>G on transcript NM_001378454.1 (MANE Select); coding-DNA position 3307, C replaced by G.
Protein change: p.Pro1103Ala; replaces proline 1103 with alanine.
Molecular consequence: missense variant.
Genome position (GRCh38, 1-based): chr2:73,449,834, C>G. VCF-style: chr2-73449834-C-G. GRCh37 (hg19) VCF-style: chr2-73676961-C-G.
Other names: c.3310C>G, p.Pro1104Ala (NM_015120.4); short protein forms P1104A, P1103A.
Identifiers: ClinVar variation 459864 (VCV000459864.47), dbSNP rs200257398, ClinGen allele CA1713501.

ClinVar aggregate classification (germline): Conflicting classifications of pathogenicity. Review status: criteria provided, conflicting classifications (1 of 4 stars). 9 submissions from 9 submitters: Uncertain significance (1); Benign (3); Likely benign (3). 2 of the submissions do not count toward it. Last evaluated 2026-01-27.

Conditions:
Cardiovascular phenotype. Identifiers: MedGen CN230736.
Alstrom syndrome (ALMS). Identifiers: Orphanet 64, MedGen C0268425, MONDO:0008763, OMIM 203800.

Allele frequency attached by ClinVar (database versions not stated): ESP Exome Variant Server 0.00050; gnomAD exomes 0.00057; ExAC 0.00036; gnomAD 0.00036 and 0.00038; TOPMed 0.00044.
gnomAD v4.1: 461 of 1,613,946 alleles (0.029%); highest among the groups gnomAD compares: Middle Eastern, 0.016%; no homozygotes.

Submissions (9):

Labcorp Genetics (formerly Invitae), Labcorp
Classification: Benign for Alstrom syndrome. Last evaluated: 2026-01-27. Review status: criteria provided, single submitter. Criteria: Invitae Variant Classification Sherloc (09022015). Collection method: clinical testing. Allele origin: germline.

Women's Health and Genetics/Laboratory Corporation of America, LabCorp
Classification: Likely benign. Last evaluated: 2025-10-21. Review status: criteria provided, single submitter. Criteria: LabCorp Variant Classification Summary - May 2015. Collection method: clinical testing. Allele origin: germline.
Comment: Variant summary: ALMS1 c.3304C>G (p.Pro1102Ala) results in a non-conservative amino acid change located in the Alstrom syndrome repeat domain (IPR040972) of the encoded protein sequence. Algorithms developed to predict the effect of missense changes on protein structure and function are either unavailable or do not agree on the potential impact of this missense change. The variant allele was found at a frequency of 0.00057 in 248472 control chromosomes, predominantly at a frequency of 0.012 within the Ashkenazi Jewish subpopulation in the gnomAD database. The observed variant frequency within Ashkenazi Jewish control individuals in the gnomAD database exceeds the estimated maximal expected allele frequency for disease-causing variants in ALMS1. c.3304C>G has been reported in the literature in the heterozygous state in at least one individual affected with Cardiomyopathy who also carried a rare missense variant in ALPK3 (e.g. Burstein_2021). To our knowledge, no experimental evidence demonstrating an impact on protein function has been reported. The following publication has been ascertained in the context of this evaluation (PMID: 32746448). ClinVar contains an entry for this variant (Variation ID: 459864). Based on the evidence outlined above, the variant was classified as likely benign.

GeneDx
Classification: Uncertain significance. Last evaluated: 2025-07-22. Review status: criteria provided, single submitter. Criteria: GeneDx Variant Classification Process June 2021. Collection method: clinical testing. Allele origin: germline. Affected: yes.
Comment: In silico analysis supports that this missense variant has a deleterious effect on protein structure/function; Reported as heterozygous in an individual with dilated cardiomyopathy in published literature (PMID: 32746448); This variant is associated with the following publications: (PMID: 32746448)

Blueprint Genetics
Classification: Benign. Last evaluated: 2024-10-30. Review status: criteria provided, single submitter. Criteria: ACMG Guidelines, 2015. Collection method: clinical testing. Allele origin: germline.

CeGaT Center for Human Genetics Tuebingen
Classification: Likely benign. Last evaluated: 2024-01-01. Review status: criteria provided, single submitter. Criteria: CeGaT Center For Human Genetics Tuebingen Variant Classification Criteria Version 2. Collection method: clinical testing. Allele origin: germline. Affected: yes. Observed: 1 variant allele.
Comment: ALMS1: BP4

Laboratory for Molecular Medicine, Mass General Brigham Personalized Medicine
Classification: Benign. Last evaluated: 2020-09-04. Review status: criteria provided, single submitter. Criteria: LMM Criteria. Collection method: clinical testing. Allele origin: germline. Observed: 1 variant allele.
Comment: The p.Pro1104Ala variant in ALMS1 is classified as benign because it has been identified in 1.1% (121/10324) of Ashkenazi Jewish chromosomes by gnomAD. ACMG/AMP Criteria applied: BA1.

Ambry Genetics
Classification: Likely benign for Cardiovascular phenotype. Last evaluated: 2019-01-03. Review status: criteria provided, single submitter. Criteria: Ambry Variant Classification Scheme 2023. Collection method: clinical testing. Allele origin: germline.

Clinical Genetics, Academic Medical Center
Classification: Likely benign. Review status: no assertion criteria provided. Collection method: clinical testing. Allele origin: germline. Affected: yes. Study: VKGL Data-share Consensus. Not counted in ClinVar's aggregate classification.

Laboratory of Diagnostic Genome Analysis, Leiden University Medical Center (LUMC)
Classification: Likely benign. Review status: no assertion criteria provided. Collection method: clinical testing. Allele origin: germline. Affected: yes. Study: VKGL Data-share Consensus. Not counted in ClinVar's aggregate classification.

Literature cited by the submitters: PubMed 32746448 (cited by Women's Health and Genetics/Laboratory Corporation of America, LabCorp).